The following is an entry in ClinVar:

ClinVar aggregate classification (germline): Benign. Review status: criteria provided, multiple submitters, no conflicts (2 of 4 stars). 3 submissions from 3 submitters: Benign (2). 1 of the submissions does not count toward it. Last evaluated 2017-12-13.

Conditions:
PTPN1-related disorder. Also called: PTPN1-related condition.

Allele frequency attached by ClinVar (database versions not stated): gnomAD exomes 0.00151 and 0.00381; ExAC 0.00468; gnomAD 0.01451 and 0.01531; 1000 Genomes Project 30x 0.01593; 1000 Genomes Project 0.01617; TOPMed 0.01640; ESP Exome Variant Server 0.01745.
gnomAD v4.1: 4,567 of 1,613,624 alleles (0.28%); highest among the groups gnomAD compares: African/African-American, 5%; 109 homozygotes.

Submissions (3):

Labcorp Genetics (formerly Invitae), Labcorp
Classification: Benign. Last evaluated: 2017-12-13. Review status: criteria provided, single submitter. Criteria: Invitae Variant Classification Sherloc (09022015). Collection method: clinical testing. Allele origin: germline.

Breakthrough Genomics
Classification: Benign. Review status: criteria provided, single submitter. Criteria: ACMG Guidelines, 2015. Collection method: not provided. Allele origin: germline. Inheritance: Autosomal dominant inheritance. Affected: yes.

PreventionGenetics, part of Exact Sciences
Classification: Benign for PTPN1-related condition. Last evaluated: 2019-03-12. Review status: no assertion criteria provided. Collection method: clinical testing. Allele origin: germline. Not counted in ClinVar's aggregate classification.
Comment: This variant is classified as benign based on ACMG/AMP sequence variant interpretation guidelines (Richards et al. 2015 PMID: 25741868, with internal and published modifications).

NM_002827.4(PTPN1):c.1242C>T (p.Cys414=)

Gene: PTPN1 (protein tyrosine phosphatase non-receptor type 1; plus strand). Cytogenetic location: 20q13.13.
Variant type: single nucleotide variant.
Coding change: c.1242C>T on transcript NM_002827.4 (MANE Select); coding-DNA position 1242, C replaced by T.
Protein change: p.Cys414=; no amino-acid change (cysteine 414 retained).
Molecular consequence: synonymous variant.
Genome position (GRCh38, 1-based): chr20:50,581,418, C>T. VCF-style: chr20-50581418-C-T. GRCh37 (hg19) VCF-style: chr20-49197955-C-T.
Other names: c.1023C>T, p.Cys341= (NM_001278618.2).
Identifiers: ClinVar variation 789498 (VCV000789498.6), dbSNP rs74607837, ClinGen allele CA9906679.